The following is an entry in ClinVar:

ClinVar aggregate classification (germline): Pathogenic (1 of 4 stars; one submission).

Conditions:
Neurofibromatosis, type 1 (NF1). Also called: Neurofibromatosis, type I; VON RECKLINGHAUSEN DISEASE; NEUROFIBROMATOSIS, TYPE I, SOMATIC; Peripheral type neurofibromatosis. Identifiers: Orphanet 636, MedGen C0027831, MONDO:0018975, OMIM 162200. Disease mechanism: loss of function.

Submission:

Juno Genomics, Hangzhou Juno Genomics, Inc
Classification: Pathogenic for Neurofibromatosis, type 1. Review status: criteria provided, single submitter. Criteria: ACMG Guidelines, 2015. Collection method: clinical testing. Allele origin: germline. Affected: yes.
Comment: Absent from controls (or at extremely low frequency if recessive) in Genome Aggregation Database, Exome Sequencing Project, 1000 Genomes Project, or Exome Aggregation Consortium.;Null variant in a gene where loss of function (LOF) is a known mechanism of disease.;Patient's phenotype or family history is highly specific for a disease with a single genetic etiology.

NM_001042492.3(NF1):c.1166dup (p.His389fs)

Gene: NF1 (neurofibromin 1; plus strand). Cytogenetic location: 17q11.2.
Variant type: Duplication.
Coding change: c.1166dup on transcript NM_001042492.3 (MANE Select); coding-DNA position 1166, one base duplicated (A; older notation c.1166dupA).
Protein change: p.His389fs; shifts the reading frame from histidine 389.
Molecular consequence: frameshift variant.
Genome position (GRCh38, 1-based): chr17:31,201,140, A duplicated. VCF-style (leftmost placement, unchanged base first): chr17-31201139-C-CA. GRCh37 (hg19) VCF-style: chr17-29528157-C-CA.
Other names: c.1166dup, p.His389Glnfs (NM_000267.4); c.1166dup, p.His389fs (NM_001128147.3); short protein forms H389fs.
Identifiers: ClinVar variation 3382469 (VCV003382469.2).